The following is an entry in ClinVar:

NM_001972.4(ELANE):c.538C>T (p.Leu180Phe)

Gene: ELANE (elastase, neutrophil expressed; plus strand). Cytogenetic location: 19p13.3.
Variant type: single nucleotide variant.
Coding change: c.538C>T on transcript NM_001972.4 (MANE Select); coding-DNA position 538, C replaced by T.
Protein change: p.Leu180Phe; replaces leucine 180 with phenylalanine.
Molecular consequence: missense variant.
Genome position (GRCh38, 1-based): chr19:855,735, C>T. VCF-style: chr19-855735-C-T. GRCh37 (hg19) VCF-style: chr19-855735-C-T.
Other names: short protein forms L180F.
Identifiers: ClinVar variation 4248071 (VCV004248071.2).

ClinVar aggregate classification (germline): Uncertain significance. Review status: criteria provided, multiple submitters, no conflicts (2 of 4 stars). 2 submissions from 2 submitters: Uncertain significance (2). Last evaluated 2025-08-16.

Conditions:
Inborn genetic diseases. Identifiers: MedGen C0950123, MeSH D030342.
Neutropenia, severe congenital, 1, autosomal dominant. Identifiers: MedGen C1859966, MONDO:0042490, OMIM 202700.
Cyclical neutropenia. Also called: Cyclic Neutropenia; Cyclic hematopoiesis. Identifiers: Orphanet 2686, MedGen C0221023, MONDO:0008090, OMIM 162800, HP:0040289. Disease mechanism: loss of function.

gnomAD v4.1: 1 of 1,609,752 alleles (0.000062%); highest among the groups gnomAD compares: Non-Finnish European, 0.000085%; no homozygotes.

Submissions (2):

Labcorp Genetics (formerly Invitae), Labcorp
Classification: Uncertain significance for Neutropenia, severe congenital, 1, autosomal dominant; Cyclical neutropenia. Last evaluated: 2025-08-16. Review status: criteria provided, single submitter. Criteria: Invitae Variant Classification Sherloc (09022015). Collection method: clinical testing. Allele origin: germline.
Comment: This sequence change replaces leucine, which is neutral and non-polar, with phenylalanine, which is neutral and non-polar, at codon 180 of the ELANE protein (p.Leu180Phe). This variant is not present in population databases (gnomAD no frequency). This variant has not been reported in the literature in individuals affected with ELANE-related conditions. Invitae Evidence Modeling of protein sequence and biophysical properties (such as structural, functional, and spatial information, amino acid conservation, physicochemical variation, residue mobility, and thermodynamic stability) has been performed for this missense variant. However, the output from this modeling did not meet the statistical confidence thresholds required to predict the impact of this variant on ELANE protein function. In summary, the available evidence is currently insufficient to determine the role of this variant in disease. Therefore, it has been classified as a Variant of Uncertain Significance.

Ambry Genetics
Classification: Uncertain significance for Inborn genetic diseases. Last evaluated: 2025-07-25. Review status: criteria provided, single submitter. Criteria: Ambry Variant Classification Scheme 2023. Collection method: clinical testing. Allele origin: germline.
Comment: The p.L180F variant (also known as c.538C>T), located in coding exon 4 of the ELANE gene, results from a C to T substitution at nucleotide position 538. The leucine at codon 180 is replaced by phenylalanine, an amino acid with highly similar properties. This amino acid position is conserved. In addition, this alteration is predicted to be tolerated by in silico analysis. Based on the available evidence, the clinical significance of this variant remains unclear.